The following is an entry in ClinVar:

NM_000038.6(APC):c.2500T>C (p.Ser834Pro)

Gene: APC (APC regulator of Wnt signaling pathway; plus strand). Cytogenetic location: 5q22.2.
Variant type: single nucleotide variant.
Coding change: c.2500T>C on transcript NM_000038.6 (MANE Select); coding-DNA position 2500, T replaced by C.
Protein change: p.Ser834Pro; replaces serine 834 with proline.
Molecular consequence: missense variant.
Genome position (GRCh38, 1-based): chr5:112,838,094, T>C. VCF-style: chr5-112838094-T-C. GRCh37 (hg19) VCF-style: chr5-112173791-T-C.
Other names: c.2500T>C, p.Ser834Pro (NM_001127510.3, NM_001354895.2); c.2446T>C, p.Ser816Pro (NM_001127511.3); c.2554T>C, p.Ser852Pro (NM_001354896.2); c.2530T>C, p.Ser844Pro (NM_001354897.2); c.2425T>C, p.Ser809Pro (NM_001354898.2); c.2416T>C, p.Ser806Pro (NM_001354899.2); c.2377T>C, p.Ser793Pro (NM_001354900.2); c.2323T>C, p.Ser775Pro (NM_001354901.2); and 5 more; short protein forms S816P, S834P, S551P, S844P, S674P, S806P, S708P, S733P.
Identifiers: ClinVar variation 187018 (VCV000187018.22), dbSNP rs786203408, ClinGen allele CA007526.

ClinVar aggregate classification (germline): Uncertain significance. Review status: criteria provided, multiple submitters, no conflicts (2 of 4 stars). 4 submissions from 4 submitters: Uncertain significance (4). Last evaluated 2025-04-23.

Conditions:
Hereditary cancer-predisposing syndrome. Also called: Neoplastic Syndromes, Hereditary; Tumor predisposition; Hereditary Cancer Syndrome; Hereditary neoplastic syndrome. Identifiers: Orphanet 140162, MedGen C0027672, MeSH D009386, MONDO:0015356.
Classic or attenuated familial adenomatous polyposis. Identifiers: MedGen CN372698, MONDO:0021057.
Familial adenomatous polyposis 1 (FAP1). Also called: FAMILIAL ADENOMATOUS POLYPOSIS 1, ATTENUATED; POLYPOSIS, ADENOMATOUS INTESTINAL. Identifiers: MedGen C2713442, MONDO:0021056, OMIM 175100. Disease mechanism: loss of function.

Submissions (4):

Labcorp Genetics (formerly Invitae), Labcorp
Classification: Uncertain significance for Familial adenomatous polyposis 1. Last evaluated: 2025-04-23. Review status: criteria provided, single submitter. Criteria: Invitae Variant Classification Sherloc (09022015). Collection method: clinical testing. Allele origin: germline.
Comment: This sequence change replaces serine, which is neutral and polar, with proline, which is neutral and non-polar, at codon 834 of the APC protein (p.Ser834Pro). This variant is not present in population databases (gnomAD no frequency). This variant has not been reported in the literature in individuals affected with APC-related conditions. ClinVar contains an entry for this variant (Variation ID: 187018). Invitae Evidence Modeling of protein sequence and biophysical properties (such as structural, functional, and spatial information, amino acid conservation, physicochemical variation, residue mobility, and thermodynamic stability) indicates that this missense variant is not expected to disrupt APC protein function with a negative predictive value of 95%. In summary, the available evidence is currently insufficient to determine the role of this variant in disease. Therefore, it has been classified as a Variant of Uncertain Significance.

Ambry Genetics
Classification: Uncertain significance for Hereditary cancer-predisposing syndrome. Last evaluated: 2025-01-28. Review status: criteria provided, single submitter. Criteria: Ambry Variant Classification Scheme 2023. Collection method: clinical testing. Allele origin: germline.
Comment: The p.S834P variant (also known as c.2500T>C), located in coding exon 15 of the APC gene, results from a T to C substitution at nucleotide position 2500. The serine at codon 834 is replaced by proline, an amino acid with similar properties. This amino acid position is highly conserved in available vertebrate species. Missense alterations in APC are not a common cause of disease (Spier I et al. Genet Med. 2024 Feb;26(2):100992). In addition, in silico predictors for this gene do not accurately predict pathogenicity. Since supporting evidence is limited at this time, the clinical significance of this alteration remains unclear.

All of Us Research Program, National Institutes of Health
Classification: Uncertain significance for Classic or attenuated familial adenomatous polyposis. Last evaluated: 2024-05-14. Review status: criteria provided, single submitter. Criteria: ACMG Guidelines, 2015. Collection method: clinical testing. Allele origin: germline. Inheritance: Autosomal dominant inheritance. Observed: 2 variant alleles, 2 heterozygotes.
Comment: This missense variant replaces serine with proline at codon 834 of the APC protein. Computational prediction suggests that this variant may not impact protein structure and function (internally defined REVEL score threshold <= 0.5, PMID: 27666373). Splice site prediction tools suggest that this variant may not impact RNA splicing. To our knowledge, functional studies have not been performed for this variant. This variant has not been reported in individuals affected with hereditary cancer in the literature. This variant has not been identified in the general population by the Genome Aggregation Database (gnomAD). The available evidence is insufficient to determine the role of this variant in disease conclusively. Therefore, this variant is classified as a Variant of Uncertain Significance.

This study involves interpretation of variants in research participants for the purpose of population health screening. Participant phenotype was not available at the time of variant classification. Additional details can be found in publication PMID: 35346344, PMCID: PMC8962531

Color Diagnostics, LLC DBA Color Health
Classification: Uncertain significance for Hereditary cancer-predisposing syndrome. Last evaluated: 2024-03-06. Review status: criteria provided, single submitter. Criteria: ACMG Guidelines, 2015. Collection method: clinical testing. Allele origin: germline.
Comment: This missense variant replaces serine with proline at codon 834 of the APC protein. Computational prediction suggests that this variant may not impact protein structure and function (internally defined REVEL score threshold <= 0.5, PMID: 27666373). Splice site prediction tools suggest that this variant may not impact RNA splicing. To our knowledge, functional studies have not been performed for this variant. This variant has not been reported in individuals affected with hereditary cancer in the literature. This variant has not been identified in the general population by the Genome Aggregation Database (gnomAD). The available evidence is insufficient to determine the role of this variant in disease conclusively. Therefore, this variant is classified as a Variant of Uncertain Significance.